The following is an entry in ClinVar:

ClinVar aggregate classification (germline): Uncertain significance. Review status: criteria provided, multiple submitters, no conflicts (2 of 4 stars). 2 submissions from 2 submitters: Uncertain significance (2). Last evaluated 2021-07-15.

Conditions:
Rolandic epilepsy, impaired intellectual development, and speech dyspraxia, X-linked. Also called: Rolandic epilepsy, intellectual disability, and speech dyspraxia, X-linked; Rolandic epilepsy, impaired intellectual development, and speech dyspraxia. Identifiers: MedGen C1845070, MONDO:0010388, OMIM 300643.

Allele frequency attached by ClinVar (database versions not stated): gnomAD 0.00002 and 0.00004; gnomAD exomes 0.00002 and 0.00004; TOPMed 0.00002; ExAC 0.00003; 1000 Genomes Project 0.00026; 1000 Genomes Project 30x 0.00021.

Submissions (2):

Ambry Genetics
Classification: Uncertain significance. Last evaluated: 2021-07-15. Review status: criteria provided, single submitter. Criteria: Ambry Variant Classification Scheme 2023. Collection method: clinical testing. Allele origin: germline.

Labcorp Genetics (formerly Invitae), Labcorp
Classification: Uncertain significance for Rolandic epilepsy, impaired intellectual development, and speech dyspraxia, X-linked. Last evaluated: 2017-06-14. Review status: criteria provided, single submitter. Criteria: Invitae Variant Classification Sherloc (09022015). Collection method: clinical testing. Allele origin: germline.
Comment: This sequence change replaces arginine with histidine at codon 430 of the SRPX2 protein (p.Arg430His). The arginine residue is highly conserved and there is a small physicochemical difference between arginine and histidine. This variant is present in population databases (rs183378773, ExAC 0.03%). This variant has not been reported in the literature in individuals with an SRPX2-related disease. Algorithms developed to predict the effect of missense changes on protein structure and function (SIFT, PolyPhen-2, Align-GVGD) all suggest that this variant is likely to be disruptive, but these predictions have not been confirmed by published functional studies and their clinical significance is uncertain. In summary, this variant has uncertain impact on SRPX2 function. The available evidence is currently insufficient to determine its role in disease. Therefore, it has been classified as a Variant of Uncertain Significance.

NM_014467.3(SRPX2):c.1289G>A (p.Arg430His)

Gene: SRPX2 (sushi repeat containing protein X-linked 2; plus strand). Cytogenetic location: Xq22.1.
Variant type: single nucleotide variant.
Coding change: c.1289G>A on transcript NM_014467.3 (MANE Select); coding-DNA position 1289, G replaced by A.
Protein change: p.Arg430His; replaces arginine 430 with histidine.
Molecular consequence: missense variant.
Genome position (GRCh38, 1-based): chrX:100,670,878, G>A. VCF-style: chrX-100670878-G-A. GRCh37 (hg19) VCF-style: chrX-99925875-G-A.
Other names: short protein forms R430H.
Identifiers: ClinVar variation 465066 (VCV000465066.4), dbSNP rs183378773, ClinGen allele CA10469694.
Genomic context (GRCh38, chrX:100,670,878, plus strand): 5'-GCCTCACTCGCTCCTACTTCAACATGGTGTTGATTGACAAGCAGGGTATTGACCGAGACC[G>A]CTACATGGAACCTGTCACCCCCGAGGAAATCTTCACATTCATTGATGACTACCTACTGAG-3'
Protein context (NP_055282.1, residues 420-440): LIDKQGIDRD[Arg430His]YMEPVTPEEI